The following is an entry in ClinVar:

NM_001267550.2(TTN):c.42684G>A (p.Glu14228=)

Gene: TTN (titin; minus strand). Cytogenetic location: 2q31.2.
Variant type: single nucleotide variant.
Coding change: c.42684G>A on transcript NM_001267550.2 (MANE Select); coding-DNA position 42684, G replaced by A.
Protein change: p.Glu14228=; no amino-acid change (glutamic acid 14228 retained).
Molecular consequence: synonymous variant.
Genome position (GRCh38, 1-based): chr2:178,633,675, C>T on the plus strand (G>A on the coding strand, the complement: TTN is on the minus strand). VCF-style: chr2-178633675-C-T. GRCh37 (hg19) VCF-style: chr2-179498402-C-T.
Other names: c.37761G>A, p.Glu12587= (NM_001256850.1); c.15489G>A, p.Glu5163= (NM_003319.4); c.34980G>A, p.Glu11660= (NM_133378.4); c.15864G>A, p.Glu5288= (NM_133432.3); c.16065G>A, p.Glu5355= (NM_133437.4).
Identifiers: ClinVar variation 1108787 (VCV001108787.11), dbSNP rs975916529, ClinGen allele CA61004608.

ClinVar aggregate classification (germline): Conflicting classifications of pathogenicity. Review status: criteria provided, conflicting classifications (1 of 4 stars). 3 submissions from 3 submitters: Uncertain significance (1); Likely benign (2). Last evaluated 2026-03-27.

Conditions:
Dilated cardiomyopathy 1G (CMD1G). Identifiers: Orphanet 154, MedGen C1858763, MONDO:0011400, OMIM 604145.
Autosomal recessive limb-girdle muscular dystrophy type 2J (LGMDR10). Also called: Limb-girdle muscular dystrophy, type 2J; MUSCULAR DYSTROPHY, LIMB-GIRDLE, AUTOSOMAL RECESSIVE 10. Identifiers: Orphanet 140922, MedGen C1837342, MONDO:0012127, OMIM 608807.
Cardiovascular phenotype. Identifiers: MedGen CN230736.

Allele frequency attached by ClinVar (database versions not stated): gnomAD exomes below 0.00001; gnomAD 0.00001; TOPMed 0.00001.
gnomAD v4.1: 2 of 1,612,188 alleles (0.00012%); highest among the groups gnomAD compares: African/African-American, 0.0027%; no homozygotes.

Submissions (3):

Molecular Diagnostic Laboratory for Inherited Cardiovascular Disease, Montreal Heart Institute
Classification: Likely benign. Last evaluated: 2026-03-27. Review status: criteria provided, single submitter. Criteria: ACMG Guidelines, 2015. Collection method: clinical testing. Allele origin: germline. Affected: no.
Comment: BP7

Labcorp Genetics (formerly Invitae), Labcorp
Classification: Likely benign for Dilated cardiomyopathy 1G; Autosomal recessive limb-girdle muscular dystrophy type 2J. Last evaluated: 2024-04-29. Review status: criteria provided, single submitter. Criteria: Invitae Variant Classification Sherloc (09022015). Collection method: clinical testing. Allele origin: germline.

Ambry Genetics
Classification: Uncertain significance for Cardiovascular phenotype. Last evaluated: 2023-09-26. Review status: criteria provided, single submitter. Criteria: Ambry Variant Classification Scheme 2023. Collection method: clinical testing. Allele origin: germline.
Comment: The c.15489G>A variant (also known as p.E5163E), located in coding exon 59 of the TTN gene, results from a G to A substitution at nucleotide position 15489. This nucleotide substitution does not change the glutamic acid at codon 5163. This nucleotide position is well conserved in available vertebrate species. In silico splice site analysis for this alteration is inconclusive. Since supporting evidence is limited at this time, the clinical significance of this alteration remains unclear.